The following is an entry in ClinVar:

ClinVar aggregate classification (germline): Uncertain significance. Review status: criteria provided, multiple submitters, no conflicts (2 of 4 stars). 2 submissions from 2 submitters: Uncertain significance (2). Last evaluated 2023-12-12.

Allele frequency attached by ClinVar (database versions not stated): TOPMed below 0.00001; gnomAD exomes 0.00001.
gnomAD v4.1: 17 of 1,589,880 alleles (0.0011%); highest among the groups gnomAD compares: African/African-American, 0.013%; no homozygotes.

Submissions (2):

GeneDx
Classification: Uncertain significance. Last evaluated: 2023-12-12. Review status: criteria provided, single submitter. Criteria: GeneDx Variant Classification Process June 2021. Collection method: clinical testing. Allele origin: germline. Affected: yes.
Comment: In silico analysis supports that this missense variant does not alter protein structure/function; Has not been previously published as pathogenic or benign to our knowledge; Not observed at significant frequency in large population cohorts (gnomAD)

Blueprint Genetics
Classification: Uncertain significance. Last evaluated: 2023-07-27. Review status: criteria provided, single submitter. Criteria: ACMG Guidelines, 2015. Collection method: clinical testing. Allele origin: germline.

NM_016239.4(MYO15A):c.7352T>C (p.Leu2451Ser)

Gene: MYO15A (myosin XVA; plus strand). Cytogenetic location: 17p11.2.
Variant type: single nucleotide variant.
Coding change: c.7352T>C on transcript NM_016239.4 (MANE Select); coding-DNA position 7352, T replaced by C.
Protein change: p.Leu2451Ser; replaces leucine 2451 with serine.
Molecular consequence: missense variant.
Genome position (GRCh38, 1-based): chr17:18,150,722, T>C. VCF-style: chr17-18150722-T-C. GRCh37 (hg19) VCF-style: chr17-18054036-T-C.
Other names: short protein forms L2451S.
Identifiers: ClinVar variation 1300435 (VCV001300435.5), dbSNP rs1424977114, ClinGen allele CA398618005.
Genomic context (GRCh38, chr17:18,150,722, plus strand): 5'-CCGGTGCCATCTGTGCCTTCTGCCCCCTCCCCTCAGTCCCAGGCCTGGATGCCTCCACAT[T>C]GGCTCTGCAGCAAGCCTTCATCCACAAACAGGCCGTGCTGCTGGTGAGTGAGGGAGGGAC-3'
Protein context (NP_057323.3, residues 2441-2461): KPIPGLDAST[Leu2451Ser]ALQQAFIHKQ